The following is an entry in ClinVar:

NM_000481.4(AMT):c.195C>T (p.His65=)

Gene: AMT (aminomethyltransferase; minus strand). Cytogenetic location: 3p21.31.
Variant type: single nucleotide variant.
Coding change: c.195C>T on transcript NM_000481.4 (MANE Select); coding-DNA position 195, C replaced by T.
Protein change: p.His65=; no amino-acid change (histidine 65 retained).
Molecular consequence: synonymous variant. On other transcripts: non-coding transcript variant (1), intron variant (1).
Genome position (GRCh38, 1-based): chr3:49,422,167, G>A on the plus strand (C>T on the coding strand, the complement: AMT is on the minus strand). VCF-style: chr3-49422167-G-A. GRCh37 (hg19) VCF-style: chr3-49459600-G-A.
Other names: c.195C>T, p.His65= (NM_001164710.2, NM_001164712.2); c.90+194C>T (NM_001164711.2).
Identifiers: ClinVar variation 346035 (VCV000346035.37), dbSNP rs145243292, ClinGen allele CA2398449.

ClinVar aggregate classification (germline): Conflicting classifications of pathogenicity. Review status: criteria provided, conflicting classifications (1 of 4 stars). 3 submissions from 3 submitters: Uncertain significance (1); Likely benign (2). Last evaluated 2026-01-12.

Conditions:
Glycine encephalopathy. Also called: Nonketotic hyperglycinemia; Non-ketotic hyperglycinemia. Identifiers: Orphanet 407, MedGen C0751748, MONDO:0011612, HP:0008288.

Allele frequency attached by ClinVar (database versions not stated): ExAC 0.00002; gnomAD exomes 0.00002; TOPMed 0.00003; gnomAD 0.00004 and 0.00005; ESP Exome Variant Server 0.00008.
gnomAD v4.1: 34 of 1,613,964 alleles (0.0021%); highest among the groups gnomAD compares: African/African-American, 0.0027%; no homozygotes.

Submissions (3):

Labcorp Genetics (formerly Invitae), Labcorp
Classification: Likely benign for Glycine encephalopathy. Last evaluated: 2026-01-12. Review status: criteria provided, single submitter. Criteria: Invitae Variant Classification Sherloc (09022015). Collection method: clinical testing. Allele origin: germline.

CeGaT Center for Human Genetics Tuebingen
Classification: Likely benign. Last evaluated: 2022-10-01. Review status: criteria provided, single submitter. Criteria: CeGaT Center For Human Genetics Tuebingen Variant Classification Criteria Version 2. Collection method: clinical testing. Allele origin: germline. Affected: yes. Observed: 1 variant allele.
Comment: AMT: BP4, BP7

Illumina Laboratory Services, Illumina
Classification: Uncertain significance for Glycine encephalopathy 1. Last evaluated: 2018-01-13. Review status: criteria provided, single submitter. Criteria: ICSL Variant Classification Criteria 13 December 2019. Collection method: clinical testing. Allele origin: germline.